The following is an entry in ClinVar:

NM_001605.3(AARS1):c.269A>C (p.Lys90Thr)

Gene: AARS1 (alanyl-tRNA synthetase 1; minus strand). Cytogenetic location: 16q22.1.
Variant type: single nucleotide variant.
Coding change: c.269A>C on transcript NM_001605.3 (MANE Select); coding-DNA position 269, A replaced by C.
Protein change: p.Lys90Thr; replaces lysine 90 with threonine.
Molecular consequence: missense variant.
Genome position (GRCh38, 1-based): chr16:70,277,030, T>G on the plus strand (A>C on the coding strand, the complement: AARS1 is on the minus strand). VCF-style: chr16-70277030-T-G. GRCh37 (hg19) VCF-style: chr16-70310933-T-G.
Other names: short protein forms K90T.
Identifiers: ClinVar variation 3719451 (VCV003719451.2).
Genomic context (GRCh38, chr16:70,277,030, plus strand): 5'-AAGTAATCTCCAAAAGACCAAGAGCCCAGCATCTCGAAGAAGGTGTGATGATAGACATCC[T>G]TGCCCACATCGTCCAGGTCATTATGTTTGCCCCCAGCCCGGATGCACTTCTGGGTATTGG-3'
Protein context (NP_001596.2, residues 80-100): GKHNDLDDVG[Lys90Thr]DVYHHTFFEM

ClinVar aggregate classification (germline): Uncertain significance (1 of 4 stars; one submission).

Conditions:
Charcot-Marie-Tooth disease type 2. Also called: Charcot-Marie-Tooth type 2. Identifiers: Orphanet 64746, MedGen C0270914, MONDO:0018993.

Submission:

Labcorp Genetics (formerly Invitae), Labcorp
Classification: Uncertain significance for Charcot-Marie-Tooth disease type 2. Last evaluated: 2024-09-24. Review status: criteria provided, single submitter. Criteria: Invitae Variant Classification Sherloc (09022015). Collection method: clinical testing. Allele origin: germline.
Comment: This sequence change replaces lysine, which is basic and polar, with threonine, which is neutral and polar, at codon 90 of the AARS protein (p.Lys90Thr). This variant is not present in population databases (gnomAD no frequency). This variant has not been reported in the literature in individuals affected with AARS-related conditions. Invitae Evidence Modeling of protein sequence and biophysical properties (such as structural, functional, and spatial information, amino acid conservation, physicochemical variation, residue mobility, and thermodynamic stability) has been performed for this missense variant. However, the output from this modeling did not meet the statistical confidence thresholds required to predict the impact of this variant on AARS protein function. In summary, the available evidence is currently insufficient to determine the role of this variant in disease. Therefore, it has been classified as a Variant of Uncertain Significance.